The following is an entry in ClinVar:

ClinVar aggregate classification (germline): Uncertain significance (1 of 4 stars; one submission).

Allele frequency attached by ClinVar (database versions not stated): gnomAD 0.00001; 1000 Genomes Project 0.00020; 1000 Genomes Project 30x 0.00031.

Submission:

CeGaT Center for Human Genetics Tuebingen
Classification: Uncertain significance. Last evaluated: 2023-01-01. Review status: criteria provided, single submitter. Criteria: CeGaT Center For Human Genetics Tuebingen Variant Classification Criteria Version 2. Collection method: clinical testing. Allele origin: germline. Affected: yes. Observed: 1 variant allele.
Comment: HAND2: PP3

NM_021973.3(HAND2):c.277G>T (p.Gly93Trp)

Genes: HAND2 (heart and neural crest derivatives expressed 2; minus strand), HAND2-AS1 (HAND2 antisense RNA 1; plus strand). Cytogenetic location: 4q34.1.
Variant type: single nucleotide variant.
Coding change: c.277G>T on transcript NM_021973.3 (MANE Select); coding-DNA position 277, G replaced by T.
Protein change: p.Gly93Trp; replaces glycine 93 with tryptophan.
Molecular consequence: missense variant.
Genome position (GRCh38, 1-based): chr4:173,529,013, C>A on the plus strand (G>T on the coding strand, the complement: HAND2 is on the minus strand). VCF-style: chr4-173529013-C-A. GRCh37 (hg19) VCF-style: chr4-174450164-C-A.
Other names: short protein forms G93W.
Identifiers: ClinVar variation 2655189 (VCV002655189.24), dbSNP rs529197560, ClinGen allele CA3141323.